The following is an entry in ClinVar:

NM_181078.3(IL21R):c.1166C>T (p.Thr389Ile)

Genes: IL21R (interleukin 21 receptor; plus strand), IL21R-AS1 (IL21R antisense RNA 1; minus strand). Cytogenetic location: 16p12.1.
Variant type: single nucleotide variant.
Coding change: c.1166C>T on transcript NM_181078.3 (MANE Select); coding-DNA position 1166, C replaced by T.
Protein change: p.Thr389Ile; replaces threonine 389 with isoleucine.
Molecular consequence: missense variant. On other transcripts: non-coding transcript variant (1).
Genome position (GRCh38, 1-based): chr16:27,448,832, C>T. VCF-style: chr16-27448832-C-T. GRCh37 (hg19) VCF-style: chr16-27460153-C-T.
Other names: p.Thr389Ile; c.1166C>T, p.Thr389Ile (NM_021798.4); c.1232C>T, p.Thr411Ile (NM_181079.5); short protein forms T389I, T411I.
Identifiers: ClinVar variation 2683352 (VCV002683352.1), dbSNP rs753233631, ClinGen allele CA7975162.

ClinVar aggregate classification (germline): Uncertain significance (1 of 4 stars; one submission).

Allele frequency attached by ClinVar (database versions not stated): gnomAD exomes below 0.00001; ExAC 0.00001.
gnomAD v4.1: 2 of 1,613,316 alleles (0.00012%); highest among the groups gnomAD compares: Non-Finnish European, 0.000085%; no homozygotes.

Submission:

Mayo Clinic Laboratories, Mayo Clinic
Classification: Uncertain significance. Last evaluated: 2022-10-03. Review status: criteria provided, single submitter. Criteria: ACMG Guidelines, 2015. Collection method: clinical testing. Allele origin: germline. Observed: 1 variant allele.
Comment: BP4, PM2_supporting